The following is an entry in ClinVar:

NM_005337.5(NCKAP1L):c.625C>T (p.His209Tyr)

Gene: NCKAP1L (NCK associated protein 1 like; plus strand). Cytogenetic location: 12q13.2.
Variant type: single nucleotide variant.
Coding change: c.625C>T on transcript NM_005337.5 (MANE Select); coding-DNA position 625, C replaced by T.
Protein change: p.His209Tyr; replaces histidine 209 with tyrosine.
Molecular consequence: missense variant.
Genome position (GRCh38, 1-based): chr12:54,509,875, C>T. VCF-style: chr12-54509875-C-T. GRCh37 (hg19) VCF-style: chr12-54903659-C-T.
Other names: c.475C>T, p.His159Tyr (NM_001184976.2); short protein forms H159Y, H209Y.
Identifiers: ClinVar variation 2186319 (VCV002186319.4), dbSNP rs1223582116, ClinGen allele CA385129600.

ClinVar aggregate classification (germline): Uncertain significance (1 of 4 stars; one submission).

Allele frequency attached by ClinVar (database versions not stated): gnomAD 0.00001; gnomAD exomes 0.00001; TOPMed 0.00001.

Submission:

Labcorp Genetics (formerly Invitae), Labcorp
Classification: Uncertain significance. Last evaluated: 2024-12-09. Review status: criteria provided, single submitter. Criteria: Invitae Variant Classification Sherloc (09022015). Collection method: clinical testing. Allele origin: germline.
Comment: This sequence change replaces histidine, which is basic and polar, with tyrosine, which is neutral and polar, at codon 209 of the NCKAP1L protein (p.His209Tyr). This variant is present in population databases (no rsID available, gnomAD 0.01%). This variant has not been reported in the literature in individuals affected with NCKAP1L-related conditions. ClinVar contains an entry for this variant (Variation ID: 2186319). An algorithm developed to predict the effect of missense changes on protein structure and function outputs the following: PolyPhen-2: "Benign". The tyrosine amino acid residue is found in multiple mammalian species, which suggests that this missense change does not adversely affect protein function. In summary, the available evidence is currently insufficient to determine the role of this variant in disease. Therefore, it has been classified as a Variant of Uncertain Significance.